The following is an entry in ClinVar:

NM_016507.4(CDK12):c.3859T>G (p.Ser1287Ala)

Gene: CDK12 (cyclin dependent kinase 12; plus strand). Cytogenetic location: 17q12.
Variant type: single nucleotide variant.
Coding change: c.3859T>G on transcript NM_016507.4 (MANE Select); coding-DNA position 3859, T replaced by G.
Protein change: p.Ser1287Ala; replaces serine 1287 with alanine.
Molecular consequence: missense variant.
Genome position (GRCh38, 1-based): chr17:39,530,702, T>G. VCF-style: chr17-39530702-T-G. GRCh37 (hg19) VCF-style: chr17-37686955-T-G.
Other names: c.3832T>G, p.Ser1278Ala (NM_015083.4); c.3859T>G (NM_016507.2); short protein forms S1278A, S1287A.
Identifiers: ClinVar variation 133866 (VCV000133866.2), dbSNP rs587778179, ClinGen allele CA158022.

ClinVar aggregate classification (germline): Uncertain significance. Review status: criteria provided, single submitter (1 of 4 stars). 2 submissions from 2 submitters: Uncertain significance (1). 1 of the submissions does not count toward it. Last evaluated 2025-02-05.

Allele frequency attached by ClinVar (database versions not stated): gnomAD 0.00001; TOPMed below 0.00001.
gnomAD v4.1: 1 of 1,613,772 alleles (0.000062%); highest among the groups gnomAD compares: African/African-American, 0.0013%; no homozygotes.

Submissions (2):

Ambry Genetics
Classification: Uncertain significance. Last evaluated: 2025-02-05. Review status: criteria provided, single submitter. Criteria: Ambry Variant Classification Scheme 2023. Collection method: clinical testing. Allele origin: germline.
Comment: The p.S1287A variant (also known as c.3859T>G), located in coding exon 14 of the CDK12 gene, results from a T to G substitution at nucleotide position 3859. The serine at codon 1287 is replaced by alanine, an amino acid with similar properties. This amino acid position is conserved. In addition, this alteration is predicted to be tolerated by in silico analysis. Based on the available evidence, the clinical significance of this variant remains unclear.

ITMI
No classification provided. Condition: AllHighlyPenetrant. Last evaluated: 2013-09-19. Review status: no classification provided. Collection method: reference population. Allele origin: germline. Not counted in ClinVar's aggregate classification.
Comment: Please see associated publication for description of ethnicities

Literature cited by the submitters: PubMed 24728327 (cited by ITMI).